The following is an entry in ClinVar:

ClinVar aggregate classification (germline): Uncertain significance (1 of 4 stars; one submission).

Submission:

Labcorp Genetics (formerly Invitae), Labcorp
Classification: Uncertain significance. Last evaluated: 2024-10-01. Review status: criteria provided, single submitter. Criteria: Invitae Variant Classification Sherloc (09022015). Collection method: clinical testing. Allele origin: germline.
Comment: This sequence change replaces lysine, which is basic and polar, with arginine, which is basic and polar, at codon 1261 of the SETBP1 protein (p.Lys1261Arg). This variant is present in population databases (rs749452890, gnomAD no frequency). This variant has not been reported in the literature in individuals affected with SETBP1-related conditions. Invitae Evidence Modeling of protein sequence and biophysical properties (such as structural, functional, and spatial information, amino acid conservation, physicochemical variation, residue mobility, and thermodynamic stability) indicates that this missense variant is not expected to disrupt SETBP1 protein function with a negative predictive value of 80%. In summary, the available evidence is currently insufficient to determine the role of this variant in disease. Therefore, it has been classified as a Variant of Uncertain Significance.

NM_015559.3(SETBP1):c.3782A>G (p.Lys1261Arg)

Gene: SETBP1 (SET binding protein 1; plus strand). Cytogenetic location: 18q12.3.
Variant type: single nucleotide variant.
Coding change: c.3782A>G on transcript NM_015559.3 (MANE Select); coding-DNA position 3782, A replaced by G.
Protein change: p.Lys1261Arg; replaces lysine 1261 with arginine.
Molecular consequence: missense variant.
Genome position (GRCh38, 1-based): chr18:44,953,122, A>G. VCF-style: chr18-44953122-A-G. GRCh37 (hg19) VCF-style: chr18-42533087-A-G.
Other names: c.3782A>G, p.Lys1261Arg (NM_001379141.1, NM_001379142.1, NM_001410862.1); short protein forms K1261R.
Identifiers: ClinVar variation 3608763 (VCV003608763.2).
Genomic context (GRCh38, chr18:44,953,122, plus strand): 5'-ATTGGACACAGGCCAAGGAAAAAGGAGACTTGAGCAGTGAGCCTGTGGACTCATGCACGA[A>G]AAGATACTCTGGCAGTGGCGGGGATGGTGGCAGCACGAGATCAGAGAACCTGGACGTGTT-3'
Protein context (NP_056374.2, residues 1251-1271): LSSEPVDSCT[Lys1261Arg]RYSGSGGDGG